The following is an entry in ClinVar:

NM_025099.6(CTC1):c.495C>A (p.Tyr165Ter)

Gene: CTC1 (CST telomere replication complex component 1; minus strand). Cytogenetic location: 17p13.1.
Variant type: single nucleotide variant.
Coding change: c.495C>A on transcript NM_025099.6 (MANE Select); coding-DNA position 495, C replaced by A.
Protein change: p.Tyr165Ter; replaces tyrosine 165 with a stop codon.
Molecular consequence: nonsense. On other transcripts: non-coding transcript variant (1).
Genome position (GRCh38, 1-based): chr17:8,238,183, G>T on the plus strand (C>A on the coding strand, the complement: CTC1 is on the minus strand). VCF-style: chr17-8238183-G-T. GRCh37 (hg19) VCF-style: chr17-8141501-G-T.
Other names: c.495C>A, p.Tyr165Ter (NM_001411067.1); short protein forms Y165*.
Identifiers: ClinVar variation 2197589 (VCV002197589.4), dbSNP rs2507947953, ClinGen allele CA397992813.
Genomic context (GRCh38, chr17:8,238,183, plus strand): 5'-AGGGGCATCCCACAGCTCCAAGTGCCCTTCCCCTGAGGAATTCCACCTGGCAGGAGGGAG[G>T]TAACTCCAACGGGGGAACAGAAAAAGATGGCCCAACCAAGAAAGGTCCAGGTCTATGAGC-3'

ClinVar aggregate classification (germline): Pathogenic (1 of 4 stars; one submission).

Conditions:
Dyskeratosis congenita. Identifiers: Orphanet 1775, MedGen C0265965, MONDO:0015780.

Submission:

Labcorp Genetics (formerly Invitae), Labcorp
Classification: Pathogenic for Dyskeratosis congenita. Last evaluated: 2022-09-20. Review status: criteria provided, single submitter. Criteria: Invitae Variant Classification Sherloc (09022015). Collection method: clinical testing. Allele origin: germline.
Comment: For these reasons, this variant has been classified as Pathogenic. This variant has not been reported in the literature in individuals affected with CTC1-related conditions. This variant is not present in population databases (gnomAD no frequency). This sequence change creates a premature translational stop signal (p.Tyr165*) in the CTC1 gene. It is expected to result in an absent or disrupted protein product. Loss-of-function variants in CTC1 are known to be pathogenic (PMID: 22267198, 22387016).

Literature cited by the submitters: PubMed 22267198; PubMed 22387016.